The following is an entry in ClinVar:

ClinVar aggregate classification (germline): Uncertain significance (1 of 4 stars; one submission).

Submission:

Ambry Genetics
Classification: Uncertain significance. Last evaluated: 2023-11-11. Review status: criteria provided, single submitter. Criteria: Ambry Variant Classification Scheme 2023. Collection method: clinical testing. Allele origin: germline.
Comment: The p.D355N variant (also known as c.1063G>A), located in coding exon 3 of the EGLN1 gene, results from a G to A substitution at nucleotide position 1063. The aspartic acid at codon 355 is replaced by asparagine, an amino acid with highly similar properties. This amino acid position is conserved. In addition, this alteration is predicted to be tolerated by in silico analysis. Since supporting evidence is limited at this time, the clinical significance of this alteration remains unclear.

NM_022051.3(EGLN1):c.1063G>A (p.Asp355Asn)

Gene: EGLN1 (egl-9 family hypoxia inducible factor 1; minus strand). Cytogenetic location: 1q42.2.
Variant type: single nucleotide variant.
Coding change: c.1063G>A on transcript NM_022051.3 (MANE Select); coding-DNA position 1063, G replaced by A.
Protein change: p.Asp355Asn; replaces aspartic acid 355 with asparagine.
Molecular consequence: missense variant. On other transcripts: intron variant (1).
Genome position (GRCh38, 1-based): chr1:231,370,647, C>T on the plus strand (G>A on the coding strand, the complement: EGLN1 is on the minus strand). VCF-style: chr1-231370647-C-T. GRCh37 (hg19) VCF-style: chr1-231506393-C-T.
Other names: c.1063G>A, p.Asp355Asn (NM_001377260.1); c.1012-3011G>A (NM_001377261.1); short protein forms D355N.
Identifiers: ClinVar variation 3227685 (VCV003227685.1), dbSNP rs2527228417, ClinGen allele CA345240423.